The following is an entry in ClinVar:

NM_001277115.2(DNAH11):c.939C>G (p.Ser313Arg)

Gene: DNAH11 (dynein axonemal heavy chain 11; plus strand). Cytogenetic location: 7p15.3.
Variant type: single nucleotide variant.
Coding change: c.939C>G on transcript NM_001277115.2 (MANE Select); coding-DNA position 939, C replaced by G.
Protein change: p.Ser313Arg; replaces serine 313 with arginine.
Molecular consequence: missense variant.
Genome position (GRCh38, 1-based): chr7:21,561,127, C>G. VCF-style: chr7-21561127-C-G. GRCh37 (hg19) VCF-style: chr7-21600745-C-G.
Other names: short protein forms S313R.
Identifiers: ClinVar variation 1371123 (VCV001371123.6), dbSNP rs72655977, ClinGen allele CA366932140.

ClinVar aggregate classification (germline): Uncertain significance (1 of 4 stars; one submission).

Conditions:
Primary ciliary dyskinesia. Also called: Ciliary dyskinesia. Identifiers: Orphanet 244, MedGen C0008780, MONDO:0016575, HP:0012265.

gnomAD v4.1: 1 of 1,604,124 alleles (0.000062%); highest among the groups gnomAD compares: Non-Finnish European, 0.000085%; no homozygotes.

Submission:

Labcorp Genetics (formerly Invitae), Labcorp
Classification: Uncertain significance for Primary ciliary dyskinesia. Last evaluated: 2021-07-30. Review status: criteria provided, single submitter. Criteria: Invitae Variant Classification Sherloc (09022015). Collection method: clinical testing. Allele origin: germline.
Comment: In summary, the available evidence is currently insufficient to determine the role of this variant in disease. Therefore, it has been classified as a Variant of Uncertain Significance. Algorithms developed to predict the effect of sequence changes on RNA splicing suggest that this variant may create or strengthen a splice site. Advanced modeling of protein sequence and biophysical properties (such as structural, functional, and spatial information, amino acid conservation, physicochemical variation, residue mobility, and thermodynamic stability) performed at Invitae indicates that this missense variant is not expected to disrupt DNAH11 protein function. This missense change has been observed in individual(s) with clinical features of DNAH11-related conditions (Invitae). This variant is not present in population databases (ExAC no frequency). This sequence change replaces serine with arginine at codon 313 of the DNAH11 protein (p.Ser313Arg). The serine residue is moderately conserved and there is a moderate physicochemical difference between serine and arginine.